The following is an entry in ClinVar:

NM_080473.5(GATA5):c.902G>A (p.Arg301Lys)

Gene: GATA5 (GATA binding protein 5; minus strand). Cytogenetic location: 20q13.33.
Variant type: single nucleotide variant.
Coding change: c.902G>A on transcript NM_080473.5 (MANE Select); coding-DNA position 902, G replaced by A.
Protein change: p.Arg301Lys; replaces arginine 301 with lysine.
Molecular consequence: missense variant.
Genome position (GRCh38, 1-based): chr20:62,465,845, C>T on the plus strand (G>A on the coding strand, the complement: GATA5 is on the minus strand). VCF-style: chr20-62465845-C-T. GRCh37 (hg19) VCF-style: chr20-61040901-C-T.
Other names: short protein forms R301K.
Identifiers: ClinVar variation 3615784 (VCV003615784.2).
Genomic context (GRCh38, chr20:62,465,845, plus strand): 5'-GAAGGCCACTCCGCAGGAGCGGGGCTGACTGCAGGGCCTGGCCACGCACCTGAGGAGCCC[C>T]TGGCCTTGGCGATGGTCTTTGGCTTCCGCTTCCGTGTCTGGATGCTTTCCTTCTTCATAG-3'
Protein context (NP_536721.1, residues 291-311): KRKPKTIAKA[Arg301Lys]GSSGSTRNAS

ClinVar aggregate classification (germline): Uncertain significance (1 of 4 stars; one submission).

Submission:

Labcorp Genetics (formerly Invitae), Labcorp
Classification: Uncertain significance. Last evaluated: 2024-04-07. Review status: criteria provided, single submitter. Criteria: Invitae Variant Classification Sherloc (09022015). Collection method: clinical testing. Allele origin: germline.
Comment: This sequence change replaces arginine, which is basic and polar, with lysine, which is basic and polar, at codon 301 of the GATA5 protein (p.Arg301Lys). This variant is not present in population databases (gnomAD no frequency). This variant has not been reported in the literature in individuals affected with GATA5-related conditions. Advanced modeling of protein sequence and biophysical properties (such as structural, functional, and spatial information, amino acid conservation, physicochemical variation, residue mobility, and thermodynamic stability) performed at Invitae indicates that this missense variant is not expected to disrupt GATA5 protein function with a negative predictive value of 80%. In summary, the available evidence is currently insufficient to determine the role of this variant in disease. Therefore, it has been classified as a Variant of Uncertain Significance.